The following is an entry in ClinVar:

NM_152703.5(SAMD9L):c.3376G>T (p.Val1126Phe)

Gene: SAMD9L (sterile alpha motif domain containing 9 like; minus strand). Cytogenetic location: 7q21.2.
Variant type: single nucleotide variant.
Coding change: c.3376G>T on transcript NM_152703.5 (MANE Select); coding-DNA position 3376, G replaced by T.
Protein change: p.Val1126Phe; replaces valine 1126 with phenylalanine.
Molecular consequence: missense variant.
Genome position (GRCh38, 1-based): chr7:93,132,596, C>A on the plus strand (G>T on the coding strand, the complement: SAMD9L is on the minus strand). VCF-style: chr7-93132596-C-A. GRCh37 (hg19) VCF-style: chr7-92761909-C-A.
Other names: c.3376G>T, p.Val1126Phe (NM_001303496.3, NM_001303497.3, NM_001303498.3 and 5 more transcripts); short protein forms V1126F.
Identifiers: ClinVar variation 3792318 (VCV003792318.1).

ClinVar aggregate classification (germline): Uncertain significance (1 of 4 stars; one submission).

Conditions:
Inborn genetic diseases. Identifiers: MedGen C0950123, MeSH D030342.

gnomAD v4.1: 3 of 1,613,790 alleles (0.00019%); highest among the groups gnomAD compares: Non-Finnish European, 0.00025%; no homozygotes.

Submission:

Ambry Genetics
Classification: Uncertain significance for Inborn genetic diseases. Last evaluated: 2025-01-17. Review status: criteria provided, single submitter. Criteria: Ambry Variant Classification Scheme 2023. Collection method: clinical testing. Allele origin: germline.
Comment: The p.V1126F variant (also known as c.3376G>T), located in coding exon 1 of the SAMD9L gene, results from a G to T substitution at nucleotide position 3376. The valine at codon 1126 is replaced by phenylalanine, an amino acid with highly similar properties. This amino acid position is conserved. In addition, the in silico prediction for this alteration is inconclusive. Based on the available evidence, the clinical significance of this variant remains unclear.